The following is an entry in ClinVar:

NM_002184.4(IL6ST):c.2525A>G (p.Glu842Gly)

Gene: IL6ST (interleukin 6 cytokine family signal transducer; minus strand). Cytogenetic location: 5q11.2.
Variant type: single nucleotide variant.
Coding change: c.2525A>G on transcript NM_002184.4 (MANE Select); coding-DNA position 2525, A replaced by G.
Protein change: p.Glu842Gly; replaces glutamic acid 842 with glycine.
Molecular consequence: missense variant. On other transcripts: 3 prime UTR variant (1), non-coding transcript variant (2).
Genome position (GRCh38, 1-based): chr5:55,941,314, T>C on the plus strand (A>G on the coding strand, the complement: IL6ST is on the minus strand). VCF-style: chr5-55941314-T-C. GRCh37 (hg19) VCF-style: chr5-55237142-T-C.
Other names: c.2525A>G (NM_002184.3); c.2342A>G, p.Glu781Gly (NM_001190981.2); c.2423A>G, p.Glu808Gly (NM_001364275.2); c.2315A>G, p.Glu772Gly (NM_001364276.2); c.1658A>G, p.Glu553Gly (NM_001364277.2); c.1622A>G, p.Glu541Gly (NM_001364278.2); c.1529A>G, p.Glu510Gly (NM_001364279.2); c.*1452A>G (NM_175767.3); short protein forms E510G, E541G, E553G, E772G, E781G, E808G, E842G.
Identifiers: ClinVar variation 1094059 (VCV001094059.12), dbSNP rs145618093, ClinGen allele CA3271141.

ClinVar aggregate classification (germline): Conflicting classifications of pathogenicity. Review status: criteria provided, conflicting classifications (1 of 4 stars). 4 submissions from 4 submitters: Uncertain significance (1); Likely benign (3). Last evaluated 2026-02-02.

Conditions:
IL6ST-related disorder. Also called: IL6ST-related condition.

Allele frequency attached by ClinVar (database versions not stated): gnomAD exomes 0.00017 and 0.00054; ExAC 0.00059; 1000 Genomes Project 0.00100; 1000 Genomes Project 30x 0.00109; gnomAD 0.00111 and 0.00121; TOPMed 0.00133; ESP Exome Variant Server 0.00185.
gnomAD v4.1: 436 of 1,614,074 alleles (0.027%); highest among the groups gnomAD compares: African/African-American, 0.33%; no homozygotes.

Submissions (4):

Labcorp Genetics (formerly Invitae), Labcorp
Classification: Likely benign. Last evaluated: 2026-02-02. Review status: criteria provided, single submitter. Criteria: Invitae Variant Classification Sherloc (09022015). Collection method: clinical testing. Allele origin: germline.

Ambry Genetics
Classification: Uncertain significance. Last evaluated: 2025-08-05. Review status: criteria provided, single submitter. Criteria: Ambry Variant Classification Scheme 2023. Collection method: clinical testing. Allele origin: germline.

PreventionGenetics, part of Exact Sciences
Classification: Likely benign for IL6ST-related condition. Last evaluated: 2025-05-28. Review status: criteria provided, single submitter. Criteria: ACMG Guidelines, 2015. Collection method: clinical testing. Allele origin: germline.
Comment: This variant is classified as likely benign based on ACMG/AMP sequence variant interpretation guidelines (Richards et al. 2015 PMID: 25741868, with internal and published modifications).

Breakthrough Genomics
Classification: Likely benign. Review status: criteria provided, single submitter. Criteria: ACMG Guidelines, 2015. Collection method: not provided. Allele origin: germline. Inheritance: Autosomal recessive inheritance. Affected: yes.